The following is an entry in ClinVar:

ClinVar aggregate classification (germline): other (0 of 4 stars; one submission).

Conditions:
Familial colorectal cancer. Identifiers: MedGen CN280943, MONDO:0023113. Disease mechanism: loss of function.

Submission:

Systems Biology Platform Zhejiang California International NanoSystems Institute
Classification: other for Familial colorectal cancer. Review status: no assertion criteria provided. Collection method: not provided. Allele origin: unknown.
ClinVar note: Converted during submission from cancer to other.

NM_000038.6(APC):c.1959-837C>T

Gene: APC (APC regulator of WNT signaling pathway; plus strand). Cytogenetic location: 5q22.2.
Variant type: single nucleotide variant.
Coding change: c.1959-837C>T on transcript NM_000038.6 (MANE Select); 837 bases into the intron before coding-DNA position 1959, C replaced by T.
Molecular consequence: intron variant.
Genome position (GRCh38, 1-based): chr5:112,836,716, C>T. VCF-style: chr5-112836716-C-T. GRCh37 (hg19) VCF-style: chr5-112172413-C-T.
Other names: c.1959-837C>T (NM_001354895.2, NM_001127510.3); c.1989-837C>T (NM_001354897.2); c.1686-837C>T (NM_001354902.2); c.1905-837C>T (NM_001127511.3); c.1884-837C>T (NM_001354898.2); c.1581-837C>T (NM_001354904.2); c.1110-837C>T (NM_001354906.2); c.2013-837C>T (NM_001354896.2); and 5 more.
Identifiers: ClinVar variation 82629 (VCV000082629.2), dbSNP rs77208670, ClinGen allele CA006848.